The following is an entry in ClinVar:

NM_021116.4(ADCY1):c.602C>T (p.Thr201Ile)

Gene: ADCY1 (adenylate cyclase 1; plus strand). Cytogenetic location: 7p12.3.
Variant type: single nucleotide variant.
Coding change: c.602C>T on transcript NM_021116.4 (MANE Select); coding-DNA position 602, C replaced by T.
Protein change: p.Thr201Ile; replaces threonine 201 with isoleucine.
Molecular consequence: missense variant. On other transcripts: 5 prime UTR variant (1).
Genome position (GRCh38, 1-based): chr7:45,575,145, C>T. VCF-style: chr7-45575145-C-T. GRCh37 (hg19) VCF-style: chr7-45614744-C-T.
Other names: c.-74C>T (NM_001281768.2); short protein forms T201I.
Identifiers: ClinVar variation 1928055 (VCV001928055.5), dbSNP rs748029352, ClinGen allele CA4248706.

ClinVar aggregate classification (germline): Uncertain significance (1 of 4 stars; one submission).

Allele frequency attached by ClinVar (database versions not stated): ExAC 0.00001; gnomAD 0.00002; TOPMed 0.00003.

Submission:

Labcorp Genetics (formerly Invitae), Labcorp
Classification: Uncertain significance. Last evaluated: 2022-04-12. Review status: criteria provided, single submitter. Criteria: Invitae Variant Classification Sherloc (09022015). Collection method: clinical testing. Allele origin: germline.
Comment: This sequence change replaces threonine, which is neutral and polar, with isoleucine, which is neutral and non-polar, at codon 201 of the ADCY1 protein (p.Thr201Ile). In summary, the available evidence is currently insufficient to determine the role of this variant in disease. Therefore, it has been classified as a Variant of Uncertain Significance. Algorithms developed to predict the effect of missense changes on protein structure and function are either unavailable or do not agree on the potential impact of this missense change (SIFT: "Deleterious"; PolyPhen-2: "Benign"; Align-GVGD: "Class C0"). This variant has not been reported in the literature in individuals affected with ADCY1-related conditions. This variant is present in population databases (rs748029352, gnomAD 0.0009%).